The following is an entry in ClinVar:

ClinVar aggregate classification (germline): Uncertain significance. Review status: criteria provided, multiple submitters, no conflicts (2 of 4 stars). 2 submissions from 2 submitters: Uncertain significance (2). Last evaluated 2025-10-01.

Conditions:
Inborn genetic diseases. Identifiers: MedGen C0950123, MeSH D030342.
STING-associated vasculopathy with onset in infancy. Also called: Sting-associated vasculopathy, infantile-onset. Identifiers: Orphanet 425120, MedGen C4014722, MONDO:0014405, OMIM 615934.

Allele frequency attached by ClinVar (database versions not stated): ESP Exome Variant Server 0.00008; gnomAD 0.00001 and 0.00002; TOPMed 0.00005.

Submissions (2):

Labcorp Genetics (formerly Invitae), Labcorp
Classification: Uncertain significance for STING-associated vasculopathy with onset in infancy. Last evaluated: 2025-10-01. Review status: criteria provided, single submitter. Criteria: Invitae Variant Classification Sherloc (09022015). Collection method: clinical testing. Allele origin: germline.
Comment: This sequence change replaces threonine, which is neutral and polar, with methionine, which is neutral and non-polar, at codon 376 of the TMEM173 protein (p.Thr376Met). This variant is not present in population databases (gnomAD no frequency). This variant has not been reported in the literature in individuals affected with TMEM173-related conditions. ClinVar contains an entry for this variant (Variation ID: 853954). An algorithm developed to predict the effect of missense changes on protein structure and function (PolyPhen-2) suggests that this variant is likely to be disruptive. In summary, the available evidence is currently insufficient to determine the role of this variant in disease. Therefore, it has been classified as a Variant of Uncertain Significance.

Ambry Genetics
Classification: Uncertain significance for Inborn genetic diseases. Last evaluated: 2024-06-16. Review status: criteria provided, single submitter. Criteria: Ambry Variant Classification Scheme 2023. Collection method: clinical testing. Allele origin: germline.

NM_198282.4(STING1):c.1127C>T (p.Thr376Met)

Gene: STING1 (stimulator of interferon response cGAMP interactor 1; minus strand). Cytogenetic location: 5q31.2.
Variant type: single nucleotide variant.
Coding change: c.1127C>T on transcript NM_198282.4 (MANE Select); coding-DNA position 1127, C replaced by T.
Protein change: p.Thr376Met; replaces threonine 376 with methionine.
Molecular consequence: missense variant. On other transcripts: 3 prime UTR variant (1).
Genome position (GRCh38, 1-based): chr5:139,476,274, G>A on the plus strand (C>T on the coding strand, the complement: STING1 is on the minus strand). VCF-style: chr5-139476274-G-A. GRCh37 (hg19) VCF-style: chr5-138855859-G-A.
Other names: c.*88C>T (NM_001301738.2); c.770C>T, p.Thr257Met (NM_001367258.1); c.1127C>T (NM_198282.2); short protein forms T257M, T376M.
Identifiers: ClinVar variation 853954 (VCV000853954.11), dbSNP rs370381358, ClinGen allele CA128747800.